The following is an entry in ClinVar:

NM_002458.3(MUC5B):c.11910A>T (p.Thr3970=)

Genes: MUC5B (mucin 5B, oligomeric mucus/gel-forming; plus strand), MUC5B-AS1 (MUC5B antisense RNA 1; minus strand). Cytogenetic location: 11p15.5.
Variant type: single nucleotide variant.
Coding change: c.11910A>T on transcript NM_002458.3 (MANE Select); coding-DNA position 11910, A replaced by T.
Protein change: p.Thr3970=; no amino-acid change (threonine 3970 retained).
Molecular consequence: synonymous variant.
Genome position (GRCh38, 1-based): chr11:1,248,790, A>T. VCF-style: chr11-1248790-A-T. GRCh37 (hg19) VCF-style: chr11-1270020-A-T.
Identifiers: ClinVar variation 3771359 (VCV003771359.13).

ClinVar aggregate classification (germline): Likely benign (1 of 4 stars; one submission).

Submission:

CeGaT Center for Human Genetics Tuebingen
Classification: Likely benign. Last evaluated: 2025-01-01. Review status: criteria provided, single submitter. Criteria: CeGaT Center For Human Genetics Tuebingen Variant Classification Criteria Version 2. Collection method: clinical testing. Allele origin: germline. Affected: yes. Observed: 1 variant allele.
Comment: MUC5B: BP4, BP7